The following is an entry in ClinVar:

ClinVar aggregate classification (germline): Uncertain significance (1 of 4 stars; one submission).

Conditions:
Ataxia-telangiectasia syndrome (AT). Also called: ATAXIA-TELANGIECTASIA, COMPLEMENTATION GROUP A; ATAXIA-TELANGIECTASIA, FRESNO VARIANT; Ataxia-telangiectasia, complementation group D; AT, COMPLEMENTATION GROUP C; Cerebello-oculocutaneous telangiectasia; Immunodeficiency with ataxia telangiectasia. Identifiers: Orphanet 100, MedGen C0004135, MONDO:0008840, OMIM 208900.

Submission:

Labcorp Genetics (formerly Invitae), Labcorp
Classification: Uncertain significance for Ataxia-telangiectasia syndrome. Last evaluated: 2023-12-10. Review status: criteria provided, single submitter. Criteria: Invitae Variant Classification Sherloc (09022015). Collection method: clinical testing. Allele origin: germline.
Comment: This sequence change replaces leucine, which is neutral and non-polar, with proline, which is neutral and non-polar, at codon 762 of the ATM protein (p.Leu762Pro). This variant is not present in population databases (gnomAD no frequency). This variant has not been reported in the literature in individuals affected with ATM-related conditions. ClinVar contains an entry for this variant (Variation ID: 1047615). An algorithm developed to predict the effect of missense changes on protein structure and function (PolyPhen-2) suggests that this variant is likely to be tolerated. In summary, the available evidence is currently insufficient to determine the role of this variant in disease. Therefore, it has been classified as a Variant of Uncertain Significance.

NM_000051.4(ATM):c.2285T>C (p.Leu762Pro)

Gene: ATM (ATM serine/threonine kinase; plus strand). Cytogenetic location: 11q22.3.
Variant type: single nucleotide variant.
Coding change: c.2285T>C on transcript NM_000051.4 (MANE Select); coding-DNA position 2285, T replaced by C.
Protein change: p.Leu762Pro; replaces leucine 762 with proline.
Molecular consequence: missense variant.
Genome position (GRCh38, 1-based): chr11:108,257,515, T>C. VCF-style: chr11-108257515-T-C. GRCh37 (hg19) VCF-style: chr11-108128242-T-C.
Other names: c.2285T>C, p.Leu762Pro (NM_001351834.2); short protein forms L762P.
Identifiers: ClinVar variation 1047615 (VCV001047615.9), dbSNP rs2080576437, ClinGen allele CA382539684.
Genomic context (GRCh38, chr11:108,257,515, plus strand): 5'-TGCATTTTTCCTTCTATTCACAATAGTCTCTAATGCAATGTGCAGGAGAAAGTATCACTC[T>C]GTTTAAAAATAAGACAAATGAGGAATTCAGAATTGGTTCCTTGAGAAATATGATGCAGCT-3'
Protein context (NP_000042.3, residues 752-772): LMQCAGESIT[Leu762Pro]FKNKTNEEFR